The following is an entry in ClinVar:

NM_001830.4(CLCN4):c.37C>A (p.Leu13Met)

Gene: CLCN4 (chloride voltage-gated channel 4; plus strand). Cytogenetic location: Xp22.2.
Variant type: single nucleotide variant.
Coding change: c.37C>A on transcript NM_001830.4 (MANE Select); coding-DNA position 37, C replaced by A.
Protein change: p.Leu13Met; replaces leucine 13 with methionine.
Molecular consequence: missense variant. On other transcripts: intron variant (1).
Genome position (GRCh38, 1-based): chrX:10,185,069, C>A. VCF-style: chrX-10185069-C-A. GRCh37 (hg19) VCF-style: chrX-10153109-C-A.
Other names: c.-38-9842C>A (NM_001256944.2); short protein forms L13M.
Identifiers: ClinVar variation 2747794 (VCV002747794.3), dbSNP rs2518872200, ClinGen allele CA412031688.
Genomic context (GRCh38, chrX:10,185,069, plus strand): 5'-TTTTCTTGCCCAGGTGTAATTAGCATGGTCAATGCGGGAGCGATGAGTGGCTCTGGAAAC[C>A]TGATGGATTTCCTCGATGAGCCGTTCCCTGATGTGGGGACGTATGAGGACTTCCACACCA-3'
Protein context (NP_001821.2, residues 3-23): NAGAMSGSGN[Leu13Met]MDFLDEPFPD

ClinVar aggregate classification (germline): Uncertain significance (1 of 4 stars; one submission).

Submission:

Labcorp Genetics (formerly Invitae), Labcorp
Classification: Uncertain significance. Last evaluated: 2023-07-28. Review status: criteria provided, single submitter. Criteria: Invitae Variant Classification Sherloc (09022015). Collection method: clinical testing. Allele origin: germline.
Comment: This variant is not present in population databases (gnomAD no frequency). This sequence change replaces leucine, which is neutral and non-polar, with methionine, which is neutral and non-polar, at codon 13 of the CLCN4 protein (p.Leu13Met). This variant has not been reported in the literature in individuals affected with CLCN4-related conditions. In summary, the available evidence is currently insufficient to determine the role of this variant in disease. Therefore, it has been classified as a Variant of Uncertain Significance. An algorithm developed to predict the effect of missense changes on protein structure and function (PolyPhen-2) suggests that this variant is likely to be tolerated.